The following is an entry in ClinVar:

NM_000441.2(SLC26A4):c.196A>T (p.Lys66Ter)

Gene: SLC26A4 (solute carrier family 26 member 4; plus strand). Cytogenetic location: 7q22.3.
Variant type: single nucleotide variant.
Coding change: c.196A>T on transcript NM_000441.2 (MANE Select); coding-DNA position 196, A replaced by T.
Protein change: p.Lys66Ter; replaces lysine 66 with a stop codon.
Molecular consequence: nonsense.
Genome position (GRCh38, 1-based): chr7:107,663,327, A>T. VCF-style: chr7-107663327-A-T. GRCh37 (hg19) VCF-style: chr7-107303772-A-T.
Other names: short protein forms K66*.
Identifiers: ClinVar variation 1725585 (VCV001725585.2), dbSNP rs2535281374, ClinGen allele CA368845355.

ClinVar aggregate classification (germline): Likely pathogenic (1 of 4 stars; one submission).

Conditions:
Pendred syndrome (PDS). Also called: Pendred Syndrome (PDS); GOITER-DEAFNESS SYNDROME; HYPOTHYROIDISM, CONGENITAL, DUE TO DYSHORMONOGENESIS, 2B; Pendred's syndrome; DEAFNESS WITH GOITER; THYROID DYSHORMONOGENESIS 2B. Identifiers: Orphanet 705, MedGen C0271829, MONDO:0010134, OMIM 274600.

Submission:

Myriad Genetics, Inc.
Classification: Likely pathogenic for Pendred syndrome. Last evaluated: 2022-03-30. Review status: criteria provided, single submitter. Criteria: Myriad Women's Health Autosomal Recessive and X-Linked Classification Criteria (2021). Collection method: clinical testing. Allele origin: unknown.
Comment: NM_000441.1(SLC26A4):c.196A>T(K66*) is expected to be pathogenic in the context of Pendred syndrome. This variant is predicted to lead to an abnormal or absent protein product due to the creation of a premature termination codon in SLC26A4, a gene where loss-of-function variants are known to be pathogenic. Please note: this variant was assessed in the context of healthy population screening.